The following is an entry in ClinVar:

NM_000023.4(SGCA):c.289G>C (p.Asp97His)

Gene: SGCA (sarcoglycan alpha; plus strand). Cytogenetic location: 17q21.33.
Variant type: single nucleotide variant.
Coding change: c.289G>C on transcript NM_000023.4 (MANE Select); coding-DNA position 289, G replaced by C.
Protein change: p.Asp97His; replaces aspartic acid 97 with histidine.
Molecular consequence: missense variant. On other transcripts: non-coding transcript variant (1).
Genome position (GRCh38, 1-based): chr17:50,167,713, G>C. VCF-style: chr17-50167713-G-C. GRCh37 (hg19) VCF-style: chr17-48245074-G-C.
Other names: c.289G>C, p.Asp97His (NM_001135697.3); short protein forms D97H.
Identifiers: ClinVar variation 949691 (VCV000949691.6), dbSNP rs774299871, ClinGen allele CA8643743.

ClinVar aggregate classification (germline): Likely pathogenic. Review status: criteria provided, single submitter (1 of 4 stars). 2 submissions from 2 submitters: Likely pathogenic (1). 1 of the submissions does not count toward it. Last evaluated 2024-05-20.

Conditions:
Autosomal recessive limb-girdle muscular dystrophy type 2D (LGMDR3). Also called: ADHALINOPATHY, PRIMARY; DUCHENNE-LIKE AUTOSOMAL RECESSIVE MUSCULAR DYSTROPHY, TYPE 2; MUSCULAR DYSTROPHY, LIMB-GIRDLE, AUTOSOMAL RECESSIVE 3. Identifiers: Orphanet 62, MedGen C2936332, MONDO:0011968, OMIM 608099. Disease mechanism: Affects gamma-sarcoglycan and also disrupts the integrity of the entire sarcoglycan complex..

Allele frequency attached by ClinVar (database versions not stated): TOPMed below 0.00001; ExAC 0.00001; gnomAD exomes 0.00001.
gnomAD v4.1: 4 of 1,612,184 alleles (0.00025%); highest among the groups gnomAD compares: Non-Finnish European, 0.00034%; no homozygotes.

Submissions (2):

Labcorp Genetics (formerly Invitae), Labcorp
Classification: Likely pathogenic for Autosomal recessive limb-girdle muscular dystrophy type 2D. Last evaluated: 2024-05-20. Review status: criteria provided, single submitter. Criteria: Invitae Variant Classification Sherloc (09022015). Collection method: clinical testing. Allele origin: germline.
Comment: This sequence change replaces aspartic acid, which is acidic and polar, with histidine, which is basic and polar, at codon 97 of the SGCA protein (p.Asp97His). This variant is present in population databases (rs774299871, gnomAD 0.002%). This variant has not been reported in the literature in individuals affected with SGCA-related conditions. ClinVar contains an entry for this variant (Variation ID: 949691). Advanced modeling of protein sequence and biophysical properties (such as structural, functional, and spatial information, amino acid conservation, physicochemical variation, residue mobility, and thermodynamic stability) performed at Invitae indicates that this missense variant is expected to disrupt SGCA protein function with a positive predictive value of 95%. This variant disrupts the p.Asp97 amino acid residue in SGCA. Other variant(s) that disrupt this residue have been determined to be pathogenic (PMID: 8866424, 25135358). This suggests that this residue is clinically significant, and that variants that disrupt this residue are likely to be disease-causing. In summary, the currently available evidence indicates that the variant is pathogenic, but additional data are needed to prove that conclusively. Therefore, this variant has been classified as Likely Pathogenic.

Natera, Inc.
Classification: Uncertain significance for Limb-girdle muscular dystrophy type 2D. Last evaluated: 2020-10-07. Review status: no assertion criteria provided. Collection method: clinical testing. Allele origin: germline. Not counted in ClinVar's aggregate classification.

Literature cited by the submitters: PubMed 8866424 (cited by Labcorp Genetics (formerly Invitae), Labcorp); PubMed 25135358 (cited by Labcorp Genetics (formerly Invitae), Labcorp).